The following is an entry in ClinVar:

ClinVar aggregate classification (germline): Likely benign. Review status: criteria provided, multiple submitters, no conflicts (2 of 4 stars). 3 submissions from 3 submitters: Likely benign (3). Last evaluated 2024-08-29.

Allele frequency attached by ClinVar (database versions not stated): gnomAD 0.00006; gnomAD exomes 0.00006 and 0.00010; TOPMed 0.00009.
gnomAD v4.1: 142 of 1,482,430 alleles (0.0096%); highest among the groups gnomAD compares: Middle Eastern, 0.067%; no homozygotes.

Submissions (3):

Blueprint Genetics
Classification: Likely benign. Last evaluated: 2024-08-29. Review status: criteria provided, single submitter. Criteria: ACMG Guidelines, 2015. Collection method: clinical testing. Allele origin: germline.

CeGaT Center for Human Genetics Tuebingen
Classification: Likely benign. Last evaluated: 2024-01-01. Review status: criteria provided, single submitter. Criteria: CeGaT Center For Human Genetics Tuebingen Variant Classification Criteria Version 2. Collection method: clinical testing. Allele origin: germline. Affected: yes. Observed: 8 variant alleles.
Comment: CACNA1A: BP4, BP7

Breakthrough Genomics
Classification: Likely benign. Review status: criteria provided, single submitter. Criteria: ACMG Guidelines, 2015. Collection method: not provided. Allele origin: germline. Inheritance: Autosomal dominant inheritance. Affected: yes.

NM_001127222.2(CACNA1A):c.7233G>C (p.Arg2411=)

Gene: CACNA1A (calcium voltage-gated channel subunit alpha1 A; minus strand). Cytogenetic location: 19p13.13.
Variant type: single nucleotide variant.
Coding change: c.7233G>C on transcript NM_001127222.2 (MANE Select); coding-DNA position 7233, G replaced by C.
Protein change: p.Arg2411=; no amino-acid change (arginine 2411 retained).
Molecular consequence: synonymous variant. On other transcripts: 3 prime UTR variant (3).
Genome position (GRCh38, 1-based): chr19:13,207,601, C>G on the plus strand (G>C on the coding strand, the complement: CACNA1A is on the minus strand). VCF-style: chr19-13207601-C-G. GRCh37 (hg19) VCF-style: chr19-13318415-C-G.
Other names: c.*445G>C (NM_000068.4, NM_001127221.2, NM_001174080.2); c.7251G>C, p.Arg2417= (NM_023035.3).
Identifiers: ClinVar variation 932692 (VCV000932692.41), dbSNP rs1015330748, ClinGen allele CA305546490.
Genomic context (GRCh38, chr19:13,207,601, plus strand): 5'-GGCCATGGCCTCCTCGCCGCCCCCGCTGCCCGGGCCATCGGCCTCGTCGTAGTCGGAGCC[C>G]CGGTAGTAGCCATGGTGCCGGGGACCCGGGGGCCCCTCGGACACGTGCGGGCCAGATGCC-3'
Protein context (NP_001120694.1, residues 2401-2421): PPGPRHHGYY[Arg2411=]GSDYDEADGP